The following is an entry in ClinVar:

ClinVar aggregate classification (germline): Uncertain significance. Review status: criteria provided, multiple submitters, no conflicts (2 of 4 stars). 2 submissions from 2 submitters: Uncertain significance (2). Last evaluated 2023-02-08.

Conditions:
Joubert syndrome 14 (JBTS14). Identifiers: MedGen C3280766, MONDO:0013745, OMIM 614424.

Allele frequency attached by ClinVar (database versions not stated): gnomAD 0.00001 and 0.00002; gnomAD exomes 0.00001; ExAC 0.00002; ESP Exome Variant Server 0.00008.
gnomAD v4.1: 10 of 1,602,308 alleles (0.00062%); highest among the groups gnomAD compares: Non-Finnish European, 0.00085%; no homozygotes.

Submissions (2):

Blueprint Genetics
Classification: Uncertain significance. Last evaluated: 2023-02-08. Review status: criteria provided, single submitter. Criteria: ACMG Guidelines, 2015. Collection method: clinical testing. Allele origin: germline.

Labcorp Genetics (formerly Invitae), Labcorp
Classification: Uncertain significance for Joubert syndrome 14. Last evaluated: 2021-06-06. Review status: criteria provided, single submitter. Criteria: Invitae Variant Classification Sherloc (09022015). Collection method: clinical testing. Allele origin: germline.
Comment: In summary, the available evidence is currently insufficient to determine the role of this variant in disease. Therefore, it has been classified as a Variant of Uncertain Significance. Algorithms developed to predict the effect of missense changes on protein structure and function are either unavailable or do not agree on the potential impact of this missense change (SIFT: "Deleterious"; PolyPhen-2: "Probably Damaging"; Align-GVGD: "Class C0"). This variant has not been reported in the literature in individuals with TMEM237-related conditions. This variant is present in population databases (rs373956551, ExAC 0.003%). This sequence change replaces leucine with proline at codon 20 of the TMEM237 protein (p.Leu20Pro). The leucine residue is highly conserved and there is a moderate physicochemical difference between leucine and proline.

NM_001044385.3(TMEM237):c.59T>C (p.Leu20Pro)

Gene: TMEM237 (transmembrane protein 237; minus strand). Cytogenetic location: 2q33.1.
Variant type: single nucleotide variant.
Coding change: c.59T>C on transcript NM_001044385.3 (MANE Select); coding-DNA position 59, T replaced by C.
Protein change: p.Leu20Pro; replaces leucine 20 with proline.
Molecular consequence: missense variant.
Genome position (GRCh38, 1-based): chr2:201,640,908, A>G on the plus strand (T>C on the coding strand, the complement: TMEM237 is on the minus strand). VCF-style: chr2-201640908-A-G. GRCh37 (hg19) VCF-style: chr2-202505631-A-G.
Other names: c.35T>C, p.Leu12Pro (NM_152388.4); short protein forms L12P, L20P.
Identifiers: ClinVar variation 1399450 (VCV001399450.7), dbSNP rs373956551, ClinGen allele CA2056622.